The following is an entry in ClinVar:

ClinVar aggregate classification (germline): Likely pathogenic. Review status: criteria provided, multiple submitters, no conflicts (2 of 4 stars). 2 submissions from 2 submitters: Likely pathogenic (2). Last evaluated 2025-03-13.

Conditions:
RASopathy. Also called: Noonan spectrum disorder; rasopathies. Identifiers: Orphanet 536391, MedGen C5555857, MONDO:0021060.

Submissions (2):

Labcorp Genetics (formerly Invitae), Labcorp
Classification: Likely pathogenic for RASopathy. Last evaluated: 2025-03-13. Review status: criteria provided, single submitter. Criteria: Invitae Variant Classification Sherloc (09022015). Collection method: clinical testing. Allele origin: germline.
Comment: This sequence change replaces valine, which is neutral and non-polar, with isoleucine, which is neutral and non-polar, at codon 471 of the BRAF protein (p.Val471Ile). This variant is not present in population databases (gnomAD no frequency). This variant has not been reported in the literature in individuals affected with BRAF-related conditions. ClinVar contains an entry for this variant (Variation ID: 40368). Invitae Evidence Modeling incorporating data from in vitro experimental studies (internal data) indicates that this missense variant is expected to disrupt BRAF function with a positive predictive value of 95%. This variant disrupts the p.Val471 amino acid residue in BRAF. Other variant(s) that disrupt this residue have been determined to be pathogenic (PMID: 22495831, 31475041; internal data). This suggests that this residue is clinically significant, and that variants that disrupt this residue are likely to be disease-causing. In summary, the currently available evidence indicates that the variant is pathogenic, but additional data are needed to prove that conclusively. Therefore, this variant has been classified as Likely Pathogenic.

GeneDx
Classification: Likely pathogenic. Last evaluated: 2012-08-30. Review status: criteria provided, single submitter. Criteria: GeneDx Variant Classification (06012015). Collection method: clinical testing. Allele origin: germline. Affected: yes.
Comment: The V471I missense change has not been published as a germline mutation, nor has it been reported as a benign polymorphism to our knowledge. The NHLBI ESP Exome Variant Server reports that V471I was not observed in approximately 5,000 samples from individuals of European and African American backgrounds, indicating it is not a common benign variant in these populations. The V471I amino acid substitution is conservative as both Valine and Isoleucine are neutral and non-polar residues. However, the V471 position is highly conserved across species and in related proteins. A different mutation (V471F) at this same position and many other missense mutations of nearby codons (S467A, F468S, G469E, L485F, L485S) have been published in association with cardio-facio-cutaneous syndrome (CFC) (Abe et al., 2012; Rodriguez-Viciana et al., 2006; Niihori et al., 2006; Rodriguez-Viciana et al., 2008; Aoki et al., 2008). Therefore, V471I is a strong candidate for a disease-causing mutation, although the possibility that it is a benign polymorphism cannot be excluded. The variant is found in NOONAN panel(s).

Literature cited by the submitters: PubMed 22495831 (cited by Labcorp Genetics (formerly Invitae), Labcorp); PubMed 31475041 (cited by Labcorp Genetics (formerly Invitae), Labcorp).

NM_004333.6(BRAF):c.1411G>A (p.Val471Ile)

Gene: BRAF (B-Raf proto-oncogene, serine/threonine kinase; minus strand). Cytogenetic location: 7q34.
Variant type: single nucleotide variant.
Coding change: c.1411G>A on transcript NM_004333.6 (MANE Select); coding-DNA position 1411, G replaced by A.
Protein change: p.Val471Ile; replaces valine 471 with isoleucine.
Molecular consequence: missense variant.
Genome position (GRCh38, 1-based): chr7:140,781,597, C>T on the plus strand (G>A on the coding strand, the complement: BRAF is on the minus strand). VCF-style: chr7-140781597-C-T. GRCh37 (hg19) VCF-style: chr7-140481397-C-T.
Other names: p.V471I:GTC>ATC; c.1411G>A, p.Val471Ile (NM_001354609.2, NM_001378468.1, NM_001378474.1); c.1531G>A, p.Val511Ile (NM_001374244.1, NM_001374258.1); c.1420G>A, p.Val474Ile (NM_001378467.1); c.1345G>A, p.Val449Ile (NM_001378469.1); c.1309G>A, p.Val437Ile (NM_001378470.1); c.1300G>A, p.Val434Ile (NM_001378471.1); c.1255G>A, p.Val419Ile (NM_001378472.1, NM_001378473.1); and 1 more; short protein forms V471I, V383I, V419I, V434I, V437I, V449I, V474I, V511I.
Identifiers: ClinVar variation 40368 (VCV000040368.3), dbSNP rs121913376, ClinGen allele CA281971.